The following is an entry in ClinVar:

ClinVar aggregate classification (germline): Conflicting classifications of pathogenicity. Review status: criteria provided, conflicting classifications (1 of 4 stars). 2 submissions from 2 submitters: Uncertain significance (1); Likely benign (1). Last evaluated 2025-09-11.

Conditions:
TELO2-related disorder. Also called: TELO2-related condition.

Allele frequency attached by ClinVar (database versions not stated): gnomAD 0.00017; ExAC 0.00020; 1000 Genomes Project 0.00060; 1000 Genomes Project 30x 0.00062.
gnomAD v4.1: 166 of 1,610,418 alleles (0.01%); highest among the groups gnomAD compares: South Asian, 0.09%; no homozygotes.

Submissions (3):

PreventionGenetics, part of Exact Sciences
Classification: Uncertain significance for TELO2-related condition. Last evaluated: 2025-09-11. Review status: criteria provided, single submitter. Criteria: ACMG Guidelines, 2015. Collection method: clinical testing. Allele origin: germline.
Comment: The TELO2 c.1448C>T variant is predicted to result in the amino acid substitution p.Ala483Val. To our knowledge, this variant has not been reported in the literature. This variant is reported in 0.082% of alleles in individuals of South Asian descent in gnomAD. Although we suspect that this variant may be benign, at this time, the clinical significance of this variant is uncertain due to the absence of conclusive functional and genetic evidence.

Labcorp Genetics (formerly Invitae), Labcorp
Classification: Likely benign. Last evaluated: 2024-12-02. Review status: criteria provided, single submitter. Criteria: Invitae Variant Classification Sherloc (09022015). Collection method: clinical testing. Allele origin: germline.

Dr. Peter K. Rogan Lab, Western University
No classification provided (evidence only). Condition: Sarcoma. Review status: no classification provided. Collection method: in vitro. Allele origin: not applicable. Functional consequence: retained intron. Not counted in ClinVar's aggregate classification.

NM_016111.4(TELO2):c.1448C>T (p.Ala483Val)

Gene: TELO2 (telomere maintenance 2; plus strand). Cytogenetic location: 16p13.3.
Variant type: single nucleotide variant.
Coding change: c.1448C>T on transcript NM_016111.4 (MANE Select); coding-DNA position 1448, C replaced by T.
Protein change: p.Ala483Val; replaces alanine 483 with valine.
Molecular consequence: missense variant.
Genome position (GRCh38, 1-based): chr16:1,501,749, C>T. VCF-style: chr16-1501749-C-T. GRCh37 (hg19) VCF-style: chr16-1551750-C-T.
Other names: c.1448C>T, p.Ala483Val (NM_001351846.2); c.1448C>T (NM_016111.3); short protein forms A483V.
Identifiers: ClinVar variation 2062828 (VCV002062828.5), dbSNP rs200124093, ClinGen allele CA7812142.